The following is an entry in ClinVar:

NM_005188.4(CBL):c.2062C>T (p.Pro688Ser)

Gene: CBL (Cbl proto-oncogene; plus strand). Cytogenetic location: 11q23.3.
Variant type: single nucleotide variant.
Coding change: c.2062C>T on transcript NM_005188.4 (MANE Select); coding-DNA position 2062, C replaced by T.
Protein change: p.Pro688Ser; replaces proline 688 with serine.
Molecular consequence: missense variant.
Genome position (GRCh38, 1-based): chr11:119,296,943, C>T. VCF-style: chr11-119296943-C-T. GRCh37 (hg19) VCF-style: chr11-119167653-C-T.
Other names: p.P688S:CCT>TCT; short protein forms P688S.
Identifiers: ClinVar variation 180810 (VCV000180810.16), dbSNP rs730880428, ClinGen allele CA295971.

ClinVar aggregate classification (germline): Conflicting classifications of pathogenicity. Review status: criteria provided, conflicting classifications (1 of 4 stars). 4 submissions from 4 submitters: Uncertain significance (2); Likely benign (2). Last evaluated 2026-01-18.

Conditions:
CBL-related disorder. Also called: NOONAN SYNDROME-LIKE DISORDER WITHOUT JUVENILE MYELOMONOCYTIC LEUKEMIA; CBL MUTATION-ASSOCIATED SYNDROME; CBL SYNDROME. Identifiers: Orphanet 363972, MedGen C3150803, MONDO:0013308, OMIM 613563.
Cardiovascular phenotype. Identifiers: MedGen CN230736.
RASopathy. Also called: Noonan spectrum disorder; rasopathies. Identifiers: Orphanet 536391, MedGen C5555857, MONDO:0021060.

Allele frequency attached by ClinVar (database versions not stated): gnomAD 0.00001; gnomAD exomes 0.00001; TOPMed 0.00001; ExAC 0.00002.

Submissions (4):

Labcorp Genetics (formerly Invitae), Labcorp
Classification: Uncertain significance for RASopathy. Last evaluated: 2026-01-18. Review status: criteria provided, single submitter. Criteria: Invitae Variant Classification Sherloc (09022015). Collection method: clinical testing. Allele origin: germline.
Comment: This sequence change replaces proline, which is neutral and non-polar, with serine, which is neutral and polar, at codon 688 of the CBL protein (p.Pro688Ser). This variant is present in population databases (rs730880428, gnomAD 0.002%). This variant has not been reported in the literature in individuals affected with CBL-related conditions. ClinVar contains an entry for this variant (Variation ID: 180810). Invitae Evidence Modeling of protein sequence and biophysical properties (such as structural, functional, and spatial information, amino acid conservation, physicochemical variation, residue mobility, and thermodynamic stability) indicates that this missense variant is not expected to disrupt CBL protein function with a negative predictive value of 95%. In summary, the available evidence is currently insufficient to determine the role of this variant in disease. Therefore, it has been classified as a Variant of Uncertain Significance.

Ambry Genetics
Classification: Likely benign for Cardiovascular phenotype. Last evaluated: 2025-07-15. Review status: criteria provided, single submitter. Criteria: Ambry Variant Classification Scheme 2023. Collection method: clinical testing. Allele origin: germline.

St. Jude Molecular Pathology, St. Jude Children's Research Hospital
Classification: Uncertain significance for CBL-related disorder. Last evaluated: 2024-11-21. Review status: criteria provided, single submitter. Criteria: St. Jude Assertion Criteria 2020. Collection method: clinical testing. Allele origin: germline.
Comment: The CBL c.2062C>T (p.Pro688Ser) missense change has a maximum subpopulation frequency of 0.0023% in gnomAD v2.1.1. The in silico tool REVEL predicts a benign effect on protein function, but this prediction has not been confirmed by functional studies. This variant has not been reported in the literature in individuals with Noonan syndrome-like. In summary, the evidence currently available is insufficient to determine the clinical significance of this variant. It has therefore been classified as of uncertain significance.

GeneDx
Classification: Likely benign. Last evaluated: 2020-06-04. Review status: criteria provided, single submitter. Criteria: GeneDx Variant Classification Process June 2021. Collection method: clinical testing. Allele origin: germline. Affected: yes.
Comment: In silico analysis supports that this missense variant does not alter protein structure/function; Has not been previously published as pathogenic or benign to our knowledge